The following is an entry in ClinVar:

ClinVar aggregate classification (germline): Uncertain significance (1 of 4 stars; one submission).

gnomAD v4.1: 1 of 1,612,768 alleles (0.000062%); highest among the groups gnomAD compares: Admixed American, 0.0017%; no homozygotes.

Submission:

GeneDx
Classification: Uncertain significance. Last evaluated: 2024-12-23. Review status: criteria provided, single submitter. Criteria: GeneDx Variant Classification Process June 2021. Collection method: clinical testing. Allele origin: germline. Affected: yes.
Comment: Identified in the heterozygous state in an individual with familial exudative vitreoretinopathy in the published literature, however, additional information was not provided (PMID: 36018796); Not observed at significant frequency in large population cohorts (gnomAD); In silico analysis supports a deleterious effect on splicing; In silico analysis indicates that this missense variant does not alter protein structure/function; This variant is associated with the following publications: (PMID: 36018796)

NM_002335.4(LRP5):c.4111G>A (p.Glu1371Lys)

Gene: LRP5 (LDL receptor related protein 5; plus strand). Cytogenetic location: 11q13.2.
Variant type: single nucleotide variant.
Coding change: c.4111G>A on transcript NM_002335.4 (MANE Select); coding-DNA position 4111, G replaced by A.
Protein change: p.Glu1371Lys; replaces glutamic acid 1371 with lysine.
Molecular consequence: missense variant.
Genome position (GRCh38, 1-based): chr11:68,436,999, G>A. VCF-style: chr11-68436999-G-A. GRCh37 (hg19) VCF-style: chr11-68204467-G-A.
Other names: c.2368G>A, p.Glu790Lys (NM_001291902.2); short protein forms E1371K, E790K.
Identifiers: ClinVar variation 3907794 (VCV003907794.1).